The following is an entry in ClinVar:

NM_001206927.2(DNAH8):c.10290A>G (p.Ser3430=)

Genes: DNAH8 (dynein axonemal heavy chain 8; plus strand), DNAH8-AS1 (DNAH8 antisense RNA 1; minus strand). Cytogenetic location: 6p21.2.
Variant type: single nucleotide variant.
Coding change: c.10290A>G on transcript NM_001206927.2 (MANE Select); coding-DNA position 10290, A replaced by G.
Protein change: p.Ser3430=; no amino-acid change (serine 3430 retained).
Molecular consequence: synonymous variant.
Genome position (GRCh38, 1-based): chr6:38,917,388, A>G. VCF-style: chr6-38917388-A-G. GRCh37 (hg19) VCF-style: chr6-38885164-A-G.
Other names: c.9639A>G, p.Ser3213= (NM_001371.4).
Identifiers: ClinVar variation 697372 (VCV000697372.13), dbSNP rs140024206, ClinGen allele CA3790677.

ClinVar aggregate classification (germline): Benign/Likely benign. Review status: criteria provided, multiple submitters, no conflicts (2 of 4 stars). 3 submissions from 3 submitters: Benign (1); Likely benign (1). 1 of the submissions does not count toward it. Last evaluated 2025-08-31.

Conditions:
DNAH8-related disorder. Also called: DNAH8-related condition.
Primary ciliary dyskinesia. Also called: Ciliary dyskinesia. Identifiers: Orphanet 244, MedGen C0008780, MONDO:0016575, HP:0012265.

Allele frequency attached by ClinVar (database versions not stated): gnomAD exomes 0.00009 and 0.00024; ExAC 0.00029; 1000 Genomes Project 0.00100; 1000 Genomes Project 30x 0.00109; TOPMed 0.00122; gnomAD 0.00123 and 0.00136; ESP Exome Variant Server 0.00138.
gnomAD v4.1: 323 of 1,613,296 alleles (0.02%); highest among the groups gnomAD compares: African/African-American, 0.4%; no homozygotes.

Submissions (3):

Labcorp Genetics (formerly Invitae), Labcorp
Classification: Benign for Primary ciliary dyskinesia. Last evaluated: 2025-08-31. Review status: criteria provided, single submitter. Criteria: Invitae Variant Classification Sherloc (09022015). Collection method: clinical testing. Allele origin: germline.

Blueprint Genetics
Classification: Likely benign. Last evaluated: 2024-03-01. Review status: criteria provided, single submitter. Criteria: ACMG Guidelines, 2015. Collection method: clinical testing. Allele origin: germline.

PreventionGenetics, part of Exact Sciences
Classification: Likely benign for DNAH8-related condition. Last evaluated: 2019-12-13. Review status: no assertion criteria provided. Collection method: clinical testing. Allele origin: germline. Not counted in ClinVar's aggregate classification.
Comment: This variant is classified as likely benign based on ACMG/AMP sequence variant interpretation guidelines (Richards et al. 2015 PMID: 25741868, with internal and published modifications).